The following is an entry in ClinVar:

NM_000440.3(PDE6A):c.2424G>A (p.Glu808=)

Gene: PDE6A (phosphodiesterase 6A; minus strand). Cytogenetic location: 5q32.
Variant type: single nucleotide variant.
Coding change: c.2424G>A on transcript NM_000440.3 (MANE Select); coding-DNA position 2424, G replaced by A.
Protein change: p.Glu808=; no amino-acid change (glutamic acid 808 retained).
Molecular consequence: synonymous variant.
Genome position (GRCh38, 1-based): chr5:149,863,201, C>T on the plus strand (G>A on the coding strand, the complement: PDE6A is on the minus strand). VCF-style: chr5-149863201-C-T. GRCh37 (hg19) VCF-style: chr5-149242764-C-T.
Identifiers: ClinVar variation 351981 (VCV000351981.14), dbSNP rs10067462, ClinGen allele CA3504279.

ClinVar aggregate classification (germline): Benign. Review status: criteria provided, multiple submitters, no conflicts (2 of 4 stars). 3 submissions from 3 submitters: Benign (3). Last evaluated 2026-02-01.

Conditions:
Retinitis pigmentosa (RP). Identifiers: Orphanet 791, MedGen C0035334, MeSH D012174, MONDO:0019200, OMIM 268000. Inheritance: Autosomal dominant, autosomal recessive and X linked inheritance.

Allele frequency attached by ClinVar (database versions not stated): gnomAD exomes 0.00525 and 0.01224; ExAC 0.01460; gnomAD 0.03995 and 0.04249; TOPMed 0.04505; ESP Exome Variant Server 0.04613; 1000 Genomes Project 0.05012; 1000 Genomes Project 30x 0.05247.
gnomAD v4.1: 14,109 of 1,614,138 alleles (0.87%); highest among the groups gnomAD compares: African/African-American, 14%; 777 homozygotes.

Submissions (3):

Labcorp Genetics (formerly Invitae), Labcorp
Classification: Benign. Last evaluated: 2026-02-01. Review status: criteria provided, single submitter. Criteria: Invitae Variant Classification Sherloc (09022015). Collection method: clinical testing. Allele origin: germline.

Illumina Laboratory Services, Illumina
Classification: Benign for Retinitis pigmentosa. Last evaluated: 2018-01-13. Review status: criteria provided, single submitter. Criteria: ICSL Variant Classification Criteria 13 December 2019. Collection method: clinical testing. Allele origin: germline.
Comment: This variant was observed in the ICSL laboratory as part of a predisposition screen in an ostensibly healthy population. It had not been previously curated by ICSL or reported in the Human Gene Mutation Database (HGMD: prior to June 1st, 2018), and was therefore a candidate for classification through an automated scoring system. Utilizing variant allele frequency, disease prevalence and penetrance estimates, and inheritance mode, an automated score was calculated to assess if this variant is too frequent to cause the disease. Based on the score and internal cut-off values, a variant classified as benign is not then subjected to further curation. The score for this variant resulted in a classification of benign for this disease.

GeneDx
Classification: Benign. Last evaluated: 2015-03-03. Review status: criteria provided, single submitter. Criteria: GeneDx Variant Classification Process June 2021. Collection method: clinical testing. Allele origin: germline. Affected: yes.